The following is an entry in ClinVar:

NM_000543.5(SMPD1):c.1312dup (p.Ser438fs)

Gene: SMPD1 (sphingomyelin phosphodiesterase 1; plus strand). Cytogenetic location: 11p15.4.
Variant type: Duplication.
Coding change: c.1312dup on transcript NM_000543.5 (MANE Select); coding-DNA position 1312, one base duplicated (A; older notation c.1312dupA).
Protein change: p.Ser438fs; shifts the reading frame from serine 438.
Molecular consequence: frameshift variant. On other transcripts: non-coding transcript variant (2).
Genome position (GRCh38, 1-based): chr11:6,393,665, A duplicated. VCF-style (leftmost placement, unchanged base first): chr11-6393664-G-GA. GRCh37 (hg19) VCF-style: chr11-6414894-G-GA.
Other names: c.1309dup, p.Ser437fs (NM_001007593.3); c.1312dup, p.Ser438fs (NM_001318087.2); c.391dup, p.Ser131fs (NM_001318088.2); c.1180dup, p.Ser394fs (NM_001365135.2); short protein forms S394fs, S438fs, S131fs, S437fs.
Identifiers: ClinVar variation 2035263 (VCV002035263.4), dbSNP rs2493817033, ClinGen allele CA2580083948.

ClinVar aggregate classification (germline): Pathogenic (1 of 4 stars; one submission).

Conditions:
Niemann-Pick disease, type B. Also called: Chronic Visceral ASMD (Niemann-Pick Disease Type B; NPD-B). Identifiers: Orphanet 77293, MedGen C0268243, MONDO:0011871, OMIM 607616. Disease mechanism: loss of function.
Niemann-Pick disease, type A. Also called: Infantile Neurovisceral ASMD (Niemann-Pick Disease Type A; NPD-A); SPHINGOMYELIN LIPIDOSIS; SPHINGOMYELINASE DEFICIENCY. Identifiers: Orphanet 77292, MedGen C0268242, MONDO:0009756, OMIM 257200. Disease mechanism: loss of function.

Submission:

Labcorp Genetics (formerly Invitae), Labcorp
Classification: Pathogenic for Niemann-Pick disease, type B; Niemann-Pick disease, type A. Last evaluated: 2022-10-12. Review status: criteria provided, single submitter. Criteria: Invitae Variant Classification Sherloc (09022015). Collection method: clinical testing. Allele origin: germline.
Comment: For these reasons, this variant has been classified as Pathogenic. This variant has not been reported in the literature in individuals affected with SMPD1-related conditions. This variant is not present in population databases (gnomAD no frequency). This sequence change creates a premature translational stop signal (p.Ser438Lysfs*12) in the SMPD1 gene. It is expected to result in an absent or disrupted protein product. Loss-of-function variants in SMPD1 are known to be pathogenic (PMID: 12369017, 15221801).

Literature cited by the submitters: PubMed 12369017; PubMed 15221801.